The following is an entry in ClinVar:

ClinVar aggregate classification (germline): Uncertain significance (1 of 4 stars; one submission).

Submission:

Labcorp Genetics (formerly Invitae), Labcorp
Classification: Uncertain significance. Last evaluated: 2025-08-13. Review status: criteria provided, single submitter. Criteria: Invitae Variant Classification Sherloc (09022015). Collection method: clinical testing. Allele origin: germline.
Comment: This sequence change replaces tyrosine, which is neutral and polar, with serine, which is neutral and polar, at codon 1082 of the CACNA1D protein (p.Tyr1082Ser). This variant is not present in population databases (gnomAD no frequency). This variant has not been reported in the literature in individuals affected with CACNA1D-related conditions. Invitae Evidence Modeling of protein sequence and biophysical properties (such as structural, functional, and spatial information, amino acid conservation, physicochemical variation, residue mobility, and thermodynamic stability) indicates that this missense variant is not expected to disrupt CACNA1D protein function with a negative predictive value of 80%. In summary, the available evidence is currently insufficient to determine the role of this variant in disease. Therefore, it has been classified as a Variant of Uncertain Significance.

NM_001128840.3(CACNA1D):c.3185A>C (p.Tyr1062Ser)

Gene: CACNA1D (calcium voltage-gated channel subunit alpha1 D; plus strand). Cytogenetic location: 3p21.1.
Variant type: single nucleotide variant.
Coding change: c.3185A>C on transcript NM_001128840.3 (MANE Select); coding-DNA position 3185, A replaced by C.
Protein change: p.Tyr1062Ser; replaces tyrosine 1062 with serine.
Molecular consequence: missense variant.
Genome position (GRCh38, 1-based): chr3:53,747,319, A>C. VCF-style: chr3-53747319-A-C. GRCh37 (hg19) VCF-style: chr3-53781346-A-C.
Other names: c.3245A>C, p.Tyr1082Ser (NM_000720.4); c.3185A>C, p.Tyr1062Ser (NM_001128839.3); short protein forms Y1082S, Y1062S.
Identifiers: ClinVar variation 4737722 (VCV004737722.1).
Genomic context (GRCh38, chr3:53,747,319, plus strand): 5'-TCATGTGTGAAGCCAGACGACCCACACCTGTTTTCCTCTCCAGGGGACTTTTCATCCTCT[A>C]CAAGGATGGGGATGTTGACAGTCCTGTGGTCCGTGAACGGATCTGGCAAAACAGTGATTT-3'
Protein context (NP_001122312.1, residues 1052-1072): PEECRGLFIL[Tyr1062Ser]KDGDVDSPVV